The following is an entry in ClinVar:

NM_001127222.2(CACNA1A):c.6659C>A (p.Pro2220His)

Gene: CACNA1A (calcium voltage-gated channel subunit alpha1 A; minus strand). Cytogenetic location: 19p13.13.
Variant type: single nucleotide variant.
Coding change: c.6659C>A on transcript NM_001127222.2 (MANE Select); coding-DNA position 6659, C replaced by A.
Protein change: p.Pro2220His; replaces proline 2220 with histidine.
Molecular consequence: missense variant.
Genome position (GRCh38, 1-based): chr19:13,208,877, G>T on the plus strand (C>A on the coding strand, the complement: CACNA1A is on the minus strand). VCF-style: chr19-13208877-G-T. GRCh37 (hg19) VCF-style: chr19-13319691-G-T.
Other names: c.6677C>A, p.Pro2226His (NM_000068.4, NM_023035.3); c.6662C>A, p.Pro2221His (NM_001127221.2); c.6668C>A, p.Pro2223His (NM_001174080.2); short protein forms P2221H, P2223H, P2226H, P2220H.
Identifiers: ClinVar variation 432563 (VCV000432563.16), dbSNP rs16052, ClinGen allele CA305547478.
Genomic context (GRCh38, chr19:13,208,877, plus strand): 5'-GCCCGTGCCCGGCCGTGGTCCGGCCGTTCCTGGGCATAGCGGTCCTTGTCGGGGGGCGGG[G>T]GATGGTGGTGGTGGTGGTGGTGGTGGTGGTGCTGTCGATGCTTCCGATCCTTGGGCCGGC-3'
Protein context (NP_001120694.1, residues 2210-2230): HHHHHHHHHH[Pro2220His]PPPDKDRYAQ

ClinVar aggregate classification (germline): Conflicting classifications of pathogenicity. Review status: criteria provided, conflicting classifications (1 of 4 stars). 4 submissions from 4 submitters: Uncertain significance (3); Likely benign (1). Last evaluated 2025-09-09.

Conditions:
Episodic ataxia type 2 (EA2). Also called: ATAXIA, EPISODIC, WITH NYSTAGMUS; ATAXIA, FAMILIAL PAROXYSMAL; ACETAZOLAMIDE-RESPONSIVE HEREDITARY PAROXYSMAL CEREBELLAR ATAXIA; EPISODIC ATAXIA, NYSTAGMUS-ASSOCIATED; CEREBELLAR ATAXIA, PAROXYSMAL, ACETAZOLAMIDE-RESPONSIVE; CEREBELLOPATHY, HEREDITARY PAROXYSMAL. Identifiers: Orphanet 97, MedGen C1720416, MONDO:0007163, OMIM 108500.
Developmental and epileptic encephalopathy, 42 (DEE42A). Also called: DEVELOPMENTAL AND EPILEPTIC ENCEPHALOPATHY 42A; EPILEPTIC ENCEPHALOPATHY, EARLY INFANTILE, 42A; Epileptic encephalopathy, early infantile, 42. Identifiers: MedGen C4310716, MONDO:0014917, OMIM 617106.
Inborn genetic diseases. Identifiers: MedGen C0950123, MeSH D030342.

gnomAD v4.1: 69 of 1,459,920 alleles (0.0047%); highest among the groups gnomAD compares: Non-Finnish European, 0.0057%; no homozygotes.

Submissions (4):

Labcorp Genetics (formerly Invitae), Labcorp
Classification: Uncertain significance for Developmental and epileptic encephalopathy, 42; Episodic ataxia type 2. Last evaluated: 2025-09-09. Review status: criteria provided, single submitter. Criteria: Invitae Variant Classification Sherloc (09022015). Collection method: clinical testing. Allele origin: germline.
Comment: This sequence change replaces proline, which is neutral and non-polar, with histidine, which is basic and polar, at codon 2221 of the CACNA1A protein (p.Pro2221His). This variant is not present in population databases (gnomAD no frequency). This variant has not been reported in the literature in individuals affected with CACNA1A-related conditions. ClinVar contains an entry for this variant (Variation ID: 432563). Invitae Evidence Modeling of protein sequence and biophysical properties (such as structural, functional, and spatial information, amino acid conservation, physicochemical variation, residue mobility, and thermodynamic stability) indicates that this missense variant is not expected to disrupt CACNA1A protein function with a negative predictive value of 95%. In summary, the available evidence is currently insufficient to determine the role of this variant in disease. Therefore, it has been classified as a Variant of Uncertain Significance.

GeneDx
Classification: Likely benign. Last evaluated: 2021-01-20. Review status: criteria provided, single submitter. Criteria: GeneDx Variant Classification Process June 2021. Collection method: clinical testing. Allele origin: germline. Affected: yes.
Comment: This variant is associated with the following publications: (PMID: 15979945)

Ambry Genetics
Classification: Uncertain significance for Inborn genetic diseases. Last evaluated: 2018-01-19. Review status: criteria provided, single submitter. Criteria: Ambry Variant Classification Scheme 2023. Collection method: clinical testing. Allele origin: germline.
Comment: The p.P2221H variant (also known as c.6662C>A), located in coding exon 46 of the CACNA1A gene, results from a C to A substitution at nucleotide position 6662. The proline at codon 2221 is replaced by histidine, an amino acid with similar properties. This amino acid position is not well conserved in available vertebrate species. In addition, the in silico prediction for this alteration is inconclusive. Since supporting evidence is limited at this time, the clinical significance of this alteration remains unclear.

Neuberg Centre For Genomic Medicine, NCGM
Classification: Uncertain significance for Episodic ataxia type 2. Review status: criteria provided, single submitter. Criteria: ACMG Guidelines, 2015. Collection method: clinical testing. Allele origin: germline. Inheritance: Autosomal dominant inheritance. Affected: yes.